The following is an entry in ClinVar:

NM_000552.5(VWF):c.7081+12G>A

Gene: VWF (von Willebrand factor; minus strand). Cytogenetic location: 12p13.31.
Variant type: single nucleotide variant.
Coding change: c.7081+12G>A on transcript NM_000552.5 (MANE Select); 12 bases into the intron after coding-DNA position 7081, G replaced by A.
Molecular consequence: intron variant.
Genome position (GRCh38, 1-based): chr12:5,983,138, C>T on the plus strand (G>A on the coding strand, the complement: VWF is on the minus strand). VCF-style: chr12-5983138-C-T. GRCh37 (hg19) VCF-style: chr12-6092304-C-T.
Identifiers: ClinVar variation 3233560 (VCV003233560.2), dbSNP rs369909318, ClinGen allele CA6401788.

ClinVar aggregate classification (germline): Likely benign (1 of 4 stars; one submission).

Allele frequency attached by ClinVar (database versions not stated): ExAC 0.00003; gnomAD 0.00003; TOPMed 0.00003; gnomAD exomes 0.00004; ESP Exome Variant Server 0.00008.
gnomAD v4.1: 60 of 1,612,336 alleles (0.0037%); highest among the groups gnomAD compares: Non-Finnish European, 0.0049%; no homozygotes.

Submission:

Women's Health and Genetics/Laboratory Corporation of America, LabCorp
Classification: Likely benign. Last evaluated: 2024-03-08. Review status: criteria provided, single submitter. Criteria: LabCorp Variant Classification Summary - May 2015. Collection method: clinical testing. Allele origin: germline.
Comment: Variant summary: VWF c.7081+12G>A alters a non-conserved nucleotide located at a position not widely known to affect splicing. Consensus agreement among computation tools predict no significant impact on normal splicing. However, these predictions have yet to be confirmed by functional studies. The variant allele was found at a frequency of 2.8e-05 in 247058 control chromosomes. The available data on variant occurrences in the general population are insufficient to allow any conclusion about variant significance. To our knowledge, no occurrence of c.7081+12G>A in individuals affected with Von Willebrand Disease and no experimental evidence demonstrating its impact on protein function have been reported. No submitters have cited clinical-significance assessments for this variant to ClinVar. Based on the evidence outlined above, the variant was classified as likely benign.